The following is an entry in ClinVar:

ClinVar aggregate classification (germline): Uncertain significance (1 of 4 stars; one submission).

Conditions:
Trichorhinophalangeal dysplasia type I (TRPS1). Also called: TRICHORHINOPHALANGEAL SYNDROME, TYPE I; TRPS I. Identifiers: Orphanet 77258, MedGen C0432233, MONDO:0008596, OMIM 190350.
Trichorhinophalangeal syndrome, type III (TRPS3). Also called: SUGIO-KAJII SYNDROME. Identifiers: Orphanet 77258, MedGen C1860823, OMIM 190351, MONDO:0008597.

gnomAD v4.1: 4 of 1,613,924 alleles (0.00025%); highest among the groups gnomAD compares: Admixed American, 0.0067%; no homozygotes.

Submission:

Labcorp Genetics (formerly Invitae), Labcorp
Classification: Uncertain significance for Trichorhinophalangeal syndrome, type III; Trichorhinophalangeal dysplasia type I. Last evaluated: 2024-08-06. Review status: criteria provided, single submitter. Criteria: Invitae Variant Classification Sherloc (09022015). Collection method: clinical testing. Allele origin: germline.
Comment: This sequence change replaces glutamic acid, which is acidic and polar, with glutamine, which is neutral and polar, at codon 466 of the TRPS1 protein (p.Glu466Gln). This variant is present in population databases (rs771188757, gnomAD 0.003%). This variant has not been reported in the literature in individuals affected with TRPS1-related conditions. Advanced modeling of protein sequence and biophysical properties (such as structural, functional, and spatial information, amino acid conservation, physicochemical variation, residue mobility, and thermodynamic stability) performed at Invitae indicates that this missense variant is not expected to disrupt TRPS1 protein function with a negative predictive value of 80%. In summary, the available evidence is currently insufficient to determine the role of this variant in disease. Therefore, it has been classified as a Variant of Uncertain Significance.

NM_014112.5(TRPS1):c.1396G>C (p.Glu466Gln)

Gene: TRPS1 (transcriptional repressor GATA binding 1; minus strand). Cytogenetic location: 8q23.3.
Variant type: single nucleotide variant.
Coding change: c.1396G>C on transcript NM_014112.5 (MANE Select); coding-DNA position 1396, G replaced by C.
Protein change: p.Glu466Gln; replaces glutamic acid 466 with glutamine.
Molecular consequence: missense variant.
Genome position (GRCh38, 1-based): chr8:115,604,573, C>G on the plus strand (G>C on the coding strand, the complement: TRPS1 is on the minus strand). VCF-style: chr8-115604573-C-G. GRCh37 (hg19) VCF-style: chr8-116616800-C-G.
Other names: c.1369G>C, p.Glu457Gln (NM_001282902.3); c.1375G>C, p.Glu459Gln (NM_001282903.3); c.1357G>C, p.Glu453Gln (NM_001330599.2); short protein forms E453Q, E457Q, E459Q, E466Q.
Identifiers: ClinVar variation 3751790 (VCV003751790.2).